The following is an entry in ClinVar:

ClinVar aggregate classification (germline): Conflicting classifications of pathogenicity. Review status: criteria provided, conflicting classifications (1 of 4 stars). 4 submissions from 4 submitters: Likely pathogenic (1); Uncertain significance (2). 1 of the submissions does not count toward it. Last evaluated 2024-11-22.

Conditions:
Cone-rod dystrophy 15 (CORD15). Identifiers: MedGen C3150912, MONDO:0013348, OMIM 613660.
Cone-rod dystrophy. Also called: Cone/cone-rod dystrophy; Cone-rod degeneration. Identifiers: Orphanet 1872, MedGen C4085590, MONDO:0015993, HP:0000548.

Allele frequency attached by ClinVar (database versions not stated): gnomAD exomes below 0.00001; ExAC 0.00001; gnomAD 0.00001; TOPMed 0.00001.
gnomAD v4.1: 8 of 1,614,080 alleles (0.0005%); highest among the groups gnomAD compares: Middle Eastern, 0.033%; no homozygotes.

Submissions (4):

Blueprint Genetics
Classification: Uncertain significance. Last evaluated: 2024-11-22. Review status: criteria provided, single submitter. Criteria: ACMG Guidelines, 2015. Collection method: clinical testing. Allele origin: germline.

3billion
Classification: Likely pathogenic for Cone-rod dystrophy 15. Last evaluated: 2024-07-03. Review status: criteria provided, single submitter. Criteria: ACMG Guidelines, 2015. Collection method: clinical testing. Allele origin: germline. Affected: yes.
Comment: The variant is observed at an extremely low frequency in the gnomAD v4.0.0 dataset (total allele frequency: <0.001%). Predicted Consequence/Location: The majority of the known disease-causing variants of this gene are variants expected to result in premature termination of the protein. In silico tool predictions suggest damaging effect of the variant on gene or gene product [REVEL: 0.71 (>=0.6, sensitivity 0.68 and specificity 0.92)]. The same nucleotide change resulting in the same amino acid change has been previously reported to be associated with CDHR1 related disorder (ClinVar ID: VCV000812260 /3billion dataset).The variant has been reported to be in trans with a pathogenic variant as either compound heterozygous or homozygous in at least one similarly affected unrelated individual (3billion dataset). Therefore, this variant is classified as Likely pathogenic according to the recommendation of ACMG/AMP guideline.

Labcorp Genetics (formerly Invitae), Labcorp
Classification: Uncertain significance. Last evaluated: 2023-12-25. Review status: criteria provided, single submitter. Criteria: Invitae Variant Classification Sherloc (09022015). Collection method: clinical testing. Allele origin: germline.
Comment: This sequence change replaces valine, which is neutral and non-polar, with aspartic acid, which is acidic and polar, at codon 458 of the CDHR1 protein (p.Val458Asp). This variant is present in population databases (rs760942217, gnomAD 0.0009%). This missense change has been observed in individual(s) with clinical features of CDHR1-related conditions (PMID: 31456290, 32681094, 35260635; Invitae). In at least one individual the data is consistent with being in trans (on the opposite chromosome) from a pathogenic variant. ClinVar contains an entry for this variant (Variation ID: 812260). Advanced modeling of protein sequence and biophysical properties (such as structural, functional, and spatial information, amino acid conservation, physicochemical variation, residue mobility, and thermodynamic stability) has been performed at Invitae for this missense variant, however the output from this modeling did not meet the statistical confidence thresholds required to predict the impact of this variant on CDHR1 protein function. In summary, the available evidence is currently insufficient to determine the role of this variant in disease. Therefore, it has been classified as a Variant of Uncertain Significance.

Sharon lab, Hadassah-Hebrew University Medical Center
Classification: Likely pathogenic for Cone-rod degeneration. Last evaluated: 2019-06-23. Review status: no assertion criteria provided. Collection method: research. Allele origin: inherited. Affected: yes. Not counted in ClinVar's aggregate classification.

Literature cited by the submitters: PubMed 31456290 (cited by Labcorp Genetics (formerly Invitae), Labcorp); PubMed 32681094 (cited by Labcorp Genetics (formerly Invitae), Labcorp); PubMed 35260635 (cited by Labcorp Genetics (formerly Invitae), Labcorp).

NM_033100.4(CDHR1):c.1373T>A (p.Val458Asp)

Gene: CDHR1 (cadherin related family member 1; plus strand). Cytogenetic location: 10q23.1.
Variant type: single nucleotide variant.
Coding change: c.1373T>A on transcript NM_033100.4 (MANE Select); coding-DNA position 1373, T replaced by A.
Protein change: p.Val458Asp; replaces valine 458 with aspartic acid.
Molecular consequence: missense variant.
Genome position (GRCh38, 1-based): chr10:84,211,053, T>A. VCF-style: chr10-84211053-T-A. GRCh37 (hg19) VCF-style: chr10-85970809-T-A.
Other names: c.1373T>A, p.Val458Asp (NM_001171971.3); short protein forms V458D.
Identifiers: ClinVar variation 812260 (VCV000812260.8), dbSNP rs760942217, ClinGen allele CA5579924.
Genomic context (GRCh38, chr10:84,211,053, plus strand): 5'-CTTCCCAGCTCCTGGCTGTTGAAGTGAACACCCCAGAGAAGTTCAGTTCCACAGCGGATG[T>A]TGTGATCCAGCTCCTGGACACCAATGACAATGTCCCCAAGTTCGACTCCCTCTACTACGT-3'
Protein context (NP_149091.1, residues 448-468): TPEKFSSTAD[Val458Asp]VIQLLDTNDN